The following is an entry in ClinVar:

NM_000051.4(ATM):c.8275C>G (p.Pro2759Ala)

Genes: ATM (ATM serine/threonine kinase; plus strand), C11orf65 (chromosome 11 open reading frame 65; minus strand). Cytogenetic location: 11q22.3.
Variant type: single nucleotide variant.
Coding change: c.8275C>G on transcript NM_000051.4 (MANE Select); coding-DNA position 8275, C replaced by G.
Protein change: p.Pro2759Ala; replaces proline 2759 with alanine.
Molecular consequence: missense variant. On other transcripts: intron variant (2).
Genome position (GRCh38, 1-based): chr11:108,343,228, C>G. VCF-style: chr11-108343228-C-G. GRCh37 (hg19) VCF-style: chr11-108213955-C-G.
Other names: c.8275C>G, p.Pro2759Ala (NM_001351834.2); c.641-34157G>C (NM_001330368.2); c.695-7936G>C (NM_001351110.2); short protein forms P2759A.
Identifiers: ClinVar variation 645137 (VCV000645137.12), dbSNP rs764906663, ClinGen allele CA6266341.
Genomic context (GRCh38, chr11:108,343,228, plus strand): 5'-AAATGCTCTTTAATGGCCTTTTAAAATTAAAAGGTATTTAATCTGTAACTCCAGGTGGTT[C>G]CCCTCTCTCAGCGAAGTGGTGTTCTTGAATGGTGCACAGGAACTGTCCCCATTGGTGAAT-3'
Protein context (NP_000042.3, residues 2749-2769): KLTICTYKVV[Pro2759Ala]LSQRSGVLEW

ClinVar aggregate classification (germline): Uncertain significance. Review status: criteria provided, multiple submitters, no conflicts (2 of 4 stars). 2 submissions from 2 submitters: Uncertain significance (2). Last evaluated 2024-03-19.

Conditions:
Hereditary cancer-predisposing syndrome. Also called: Tumor predisposition; Hereditary neoplastic syndrome; Neoplastic Syndromes, Hereditary; Hereditary Cancer Syndrome. Identifiers: Orphanet 140162, MedGen C0027672, MeSH D009386, MONDO:0015356.
Ataxia-telangiectasia syndrome (AT). Also called: Ataxia-telangiectasia, complementation group D; AT, COMPLEMENTATION GROUP C; ATAXIA-TELANGIECTASIA, COMPLEMENTATION GROUP A; ATAXIA-TELANGIECTASIA, FRESNO VARIANT; Ataxia-telangiectasia; LOUIS-BAR SYNDROME. Identifiers: Orphanet 100, MedGen C0004135, MONDO:0008840, OMIM 208900.

gnomAD v4.1: 1 of 1,613,894 alleles (0.000062%); highest among the groups gnomAD compares: Non-Finnish European, 0.000085%; no homozygotes.

Submissions (2):

Ambry Genetics
Classification: Uncertain significance for Hereditary cancer-predisposing syndrome. Last evaluated: 2024-03-19. Review status: criteria provided, single submitter. Criteria: Ambry Variant Classification Scheme 2023. Collection method: clinical testing. Allele origin: germline.
Comment: The p.P2759A variant (also known as c.8275C>G), located in coding exon 56 of the ATM gene, results from a C to G substitution at nucleotide position 8275. The proline at codon 2759 is replaced by alanine, an amino acid with highly similar properties. This amino acid position is highly conserved in available vertebrate species. In addition, this alteration is predicted to be deleterious by in silico analysis. Since supporting evidence is limited at this time, the clinical significance of this alteration remains unclear.

Labcorp Genetics (formerly Invitae), Labcorp
Classification: Uncertain significance for Ataxia-telangiectasia syndrome. Last evaluated: 2023-02-15. Review status: criteria provided, single submitter. Criteria: Invitae Variant Classification Sherloc (09022015). Collection method: clinical testing. Allele origin: germline.
Comment: This sequence change replaces proline, which is neutral and non-polar, with alanine, which is neutral and non-polar, at codon 2759 of the ATM protein (p.Pro2759Ala). This variant is present in population databases (rs764906663, gnomAD 0.0009%). This variant has not been reported in the literature in individuals affected with ATM-related conditions. ClinVar contains an entry for this variant (Variation ID: 645137). An algorithm developed to predict the effect of missense changes on protein structure and function (PolyPhen-2) suggests that this variant is likely to be disruptive. In summary, the available evidence is currently insufficient to determine the role of this variant in disease. Therefore, it has been classified as a Variant of Uncertain Significance.